The following is an entry in ClinVar:

NM_182961.4(SYNE1):c.12733T>A (p.Cys4245Ser)

Gene: SYNE1 (spectrin repeat containing nuclear envelope protein 1; minus strand). Cytogenetic location: 6q25.2.
Variant type: single nucleotide variant.
Coding change: c.12733T>A on transcript NM_182961.4 (MANE Select); coding-DNA position 12733, T replaced by A.
Protein change: p.Cys4245Ser; replaces cysteine 4245 with serine.
Molecular consequence: missense variant.
Genome position (GRCh38, 1-based): chr6:152,334,069, A>T on the plus strand (T>A on the coding strand, the complement: SYNE1 is on the minus strand). VCF-style: chr6-152334069-A-T. GRCh37 (hg19) VCF-style: chr6-152655204-A-T.
Other names: c.12520T>A, p.Cys4174Ser (NM_033071.5); short protein forms C4174S, C4245S.
Identifiers: ClinVar variation 2436688 (VCV002436688.8), dbSNP rs370010653, ClinGen allele CA4056329.

ClinVar aggregate classification (germline): Uncertain significance. Review status: criteria provided, multiple submitters, no conflicts (2 of 4 stars). 2 submissions from 2 submitters: Uncertain significance (2). Last evaluated 2025-12-01.

Allele frequency attached by ClinVar (database versions not stated): TOPMed below 0.00001; ExAC 0.00001; gnomAD 0.00001; ESP Exome Variant Server 0.00008.
gnomAD v4.1: 5 of 1,614,084 alleles (0.00031%); highest among the groups gnomAD compares: Non-Finnish European, 0.00042%; no homozygotes.

Submissions (2):

CeGaT Center for Human Genetics Tuebingen
Classification: Uncertain significance. Last evaluated: 2025-12-01. Review status: criteria provided, single submitter. Criteria: CeGaT Center For Human Genetics Tuebingen Variant Classification Criteria Version 2. Collection method: clinical testing. Allele origin: germline. Affected: yes. Observed: 1 variant allele.
Comment: SYNE1: PM2, BP4

Revvity Omics, Revvity
Classification: Uncertain significance. Last evaluated: 2019-12-09. Review status: criteria provided, single submitter. Criteria: ACMG Guidelines, 2015. Collection method: clinical testing. Allele origin: germline.